The following is an entry in ClinVar:

NM_016203.4(PRKAG2):c.9C>T (p.Ser3=)

Gene: PRKAG2 (protein kinase AMP-activated non-catalytic subunit gamma 2; minus strand). Cytogenetic location: 7q36.1.
Variant type: single nucleotide variant.
Coding change: c.9C>T on transcript NM_016203.4 (MANE Select); coding-DNA position 9, C replaced by T.
Protein change: p.Ser3=; no amino-acid change (serine 3 retained).
Molecular consequence: synonymous variant.
Genome position (GRCh38, 1-based): chr7:151,876,612, G>A on the plus strand (C>T on the coding strand, the complement: PRKAG2 is on the minus strand). VCF-style: chr7-151876612-G-A. GRCh37 (hg19) VCF-style: chr7-151573697-G-A.
Other names: c.9C>T (NM_016203.3); c.9C>T, p.Ser3= (NM_001407021.1, NM_001407022.1, NM_001407023.1 and 2 more transcripts).
Identifiers: ClinVar variation 2021073 (VCV002021073.7), dbSNP rs771101951, ClinGen allele CA458679894.

ClinVar aggregate classification (germline): Likely benign. Review status: criteria provided, multiple submitters, no conflicts (2 of 4 stars). 4 submissions from 4 submitters: Likely benign (4). Last evaluated 2026-04-02.

Conditions:
Cardiovascular phenotype. Identifiers: MedGen CN230736.
Cardiomyopathy (CMYO). Also called: Cardiomyopathies. Identifiers: Orphanet 167848, MedGen C0878544, MONDO:0004994, HP:0001638. Inheritance: Various modes of inheritance.
Lethal congenital glycogen storage disease of heart. Also called: PHOSPHORYLASE KINASE DEFICIENCY OF HEART; GLYCOGEN STORAGE DISEASE OF HEART. Identifiers: Orphanet 439854, MedGen C1849813, MONDO:0009867, OMIM 261740.
Hypertrophic cardiomyopathy. Also called: HYPERTROPHIC MYOCARDIOPATHY. Identifiers: Orphanet 217569, MedGen C0007194, MeSH D002312, MONDO:0005045, HP:0001639.

Allele frequency attached by ClinVar (database versions not stated): TOPMed below 0.00001.

Submissions (4):

Ambry Genetics
Classification: Likely benign for Cardiovascular phenotype. Last evaluated: 2026-04-02. Review status: criteria provided, single submitter. Criteria: Ambry Variant Classification Scheme 2023. Collection method: clinical testing. Allele origin: germline.

All of Us Research Program, National Institutes of Health
Classification: Likely benign for Hypertrophic cardiomyopathy. Last evaluated: 2024-03-24. Review status: criteria provided, single submitter. Criteria: ACMG Guidelines, 2015. Collection method: clinical testing. Allele origin: germline. Inheritance: Autosomal dominant inheritance. Observed: 1 variant allele, 1 heterozygote.
Comment: This study involves interpretation of variants in research participants for the purpose of population health screening. Participant phenotype was not available at the time of variant classification. Additional details can be found in publication PMID: 35346344, PMCID: PMC8962531

Color Diagnostics, LLC DBA Color Health
Classification: Likely benign for Cardiomyopathy. Last evaluated: 2024-03-13. Review status: criteria provided, single submitter. Criteria: ACMG Guidelines, 2015. Collection method: clinical testing. Allele origin: germline.

Labcorp Genetics (formerly Invitae), Labcorp
Classification: Likely benign for Lethal congenital glycogen storage disease of heart. Last evaluated: 2023-10-27. Review status: criteria provided, single submitter. Criteria: Invitae Variant Classification Sherloc (09022015). Collection method: clinical testing. Allele origin: germline.